The following is an entry in ClinVar:

ClinVar aggregate classification (germline): Uncertain significance. Review status: criteria provided, multiple submitters, no conflicts (2 of 4 stars). 3 submissions from 3 submitters: Uncertain significance (3). Last evaluated 2024-05-14.

Conditions:
Autosomal systemic lupus erythematosus type 16. Also called: Systemic lupus erythematosus 16. Identifiers: Orphanet 300345, MedGen C3280742, MONDO:0013743, OMIM 614420.
Inborn genetic diseases. Identifiers: MedGen C0950123, MeSH D030342.

Allele frequency attached by ClinVar (database versions not stated): gnomAD 0.00003; gnomAD exomes 0.00003 and 0.00016; TOPMed 0.00011; ExAC 0.00016.
gnomAD v4.1: 48 of 1,614,040 alleles (0.003%); highest among the groups gnomAD compares: Admixed American, 0.08%; no homozygotes.

Submissions (3):

Ambry Genetics
Classification: Uncertain significance for Inborn genetic diseases. Last evaluated: 2024-05-14. Review status: criteria provided, single submitter. Criteria: Ambry Variant Classification Scheme 2023. Collection method: clinical testing. Allele origin: germline.

Fulgent Genetics
Classification: Uncertain significance for Autosomal systemic lupus erythematosus type 16. Last evaluated: 2024-01-24. Review status: criteria provided, single submitter. Criteria: ACMG Guidelines, 2015. Collection method: clinical testing. Allele origin: germline.

Labcorp Genetics (formerly Invitae), Labcorp
Classification: Uncertain significance. Last evaluated: 2022-07-19. Review status: criteria provided, single submitter. Criteria: Invitae Variant Classification Sherloc (09022015). Collection method: clinical testing. Allele origin: germline.
Comment: This sequence change replaces serine, which is neutral and polar, with tyrosine, which is neutral and polar, at codon 131 of the DNASE1L3 protein (p.Ser131Tyr). This variant is present in population databases (rs755495435, gnomAD 0.1%). This variant has not been reported in the literature in individuals affected with DNASE1L3-related conditions. ClinVar contains an entry for this variant (Variation ID: 1380964). Algorithms developed to predict the effect of missense changes on protein structure and function (SIFT, PolyPhen-2, Align-GVGD) all suggest that this variant is likely to be disruptive. In summary, the available evidence is currently insufficient to determine the role of this variant in disease. Therefore, it has been classified as a Variant of Uncertain Significance.

NM_004944.4(DNASE1L3):c.392C>A (p.Ser131Tyr)

Gene: DNASE1L3 (deoxyribonuclease 1L3; minus strand). Cytogenetic location: 3p14.3.
Variant type: single nucleotide variant.
Coding change: c.392C>A on transcript NM_004944.4 (MANE Select); coding-DNA position 392, C replaced by A.
Protein change: p.Ser131Tyr; replaces serine 131 with tyrosine.
Molecular consequence: missense variant.
Genome position (GRCh38, 1-based): chr3:58,204,810, G>T on the plus strand (C>A on the coding strand, the complement: DNASE1L3 is on the minus strand). VCF-style: chr3-58204810-G-T. GRCh37 (hg19) VCF-style: chr3-58190537-G-T.
Other names: c.302C>A, p.Ser101Tyr (NM_001256560.2); c.392C>A (NM_004944.2); short protein forms S101Y, S131Y.
Identifiers: ClinVar variation 1380964 (VCV001380964.5), dbSNP rs755495435, ClinGen allele CA2470021.